The following is an entry in ClinVar:

ClinVar aggregate classification (germline): Uncertain significance. Review status: criteria provided, multiple submitters, no conflicts (2 of 4 stars). 2 submissions from 2 submitters: Uncertain significance (2). Last evaluated 2025-11-17.

Conditions:
Usher syndrome type 3. Also called: Usher Syndrome, Type III. Identifiers: Orphanet 231183, MedGen C1568248, MONDO:0016485.

gnomAD v4.1: 199 of 1,614,144 alleles (0.012%); highest among the groups gnomAD compares: Non-Finnish European, 0.016%; 1 homozygote.

Submissions (2):

Myriad Genetics, Inc.
Classification: Uncertain significance for Usher syndrome type 3. Last evaluated: 2025-11-17. Review status: criteria provided, single submitter. Criteria: Myriad Autosomal Dominant, Autosomal Recessive and X-Linked Classification Criteria (2023). Collection method: clinical testing. Allele origin: unknown.
Comment: NM_174878.2(CLRN1):c.151G>A(G51R) is a missense variant classified as a variant of uncertain significance in the context of Usher syndrome type 3. G51R has been observed in a case with relevant disease (PMID: 26338283). Relevant functional assessments of this variant are not available in the literature. G51R has been observed in referenced population frequency databases. In summary, there is insufficient evidence to classify NM_174878.2(CLRN1):c.151G>A(G51R) as pathogenic or benign. Please note: this variant was assessed in the context of healthy population screening.

Women's Health and Genetics/Laboratory Corporation of America, LabCorp
Classification: Uncertain significance. Last evaluated: 2024-08-09. Review status: criteria provided, single submitter. Criteria: LabCorp Variant Classification Summary - May 2015. Collection method: clinical testing. Allele origin: germline.
Comment: Variant summary: CLRN1 c.151G>A (p.Gly51Arg) results in a non-conservative amino acid change in the encoded protein sequence. Four of five in-silico tools predict a damaging effect of the variant on protein function. The variant allele was found at a frequency of 9.5e-05 in 251470 control chromosomes. This frequency is not significantly higher than estimated for a pathogenic variant in CLRN1 causing Usher Syndrome (9.5e-05 vs 0.0014), allowing no conclusion about variant significance. c.151G>A has been reported in the literature in individuals affected with Usher Syndrome (Hanany_2020). These report(s) do not provide unequivocal conclusions about association of the variant with Usher Syndrome. To our knowledge, no experimental evidence demonstrating an impact on protein function has been reported. No submitters have cited clinical-significance assessments for this variant to ClinVar. Based on the evidence outlined above, the variant was classified as uncertain significance.

Literature cited by the submitters: PubMed 26338283 (cited by Myriad Genetics, Inc. and Women's Health and Genetics/Laboratory Corporation of America, LabCorp); PubMed 31964843 (cited by Women's Health and Genetics/Laboratory Corporation of America, LabCorp).

NM_174878.3(CLRN1):c.151G>A (p.Gly51Arg)

Gene: CLRN1 (clarin 1; minus strand). Cytogenetic location: 3q25.1.
Variant type: single nucleotide variant.
Coding change: c.151G>A on transcript NM_174878.3 (MANE Select); coding-DNA position 151, G replaced by A.
Protein change: p.Gly51Arg; replaces glycine 51 with arginine.
Molecular consequence: missense variant. On other transcripts: non-coding transcript variant (1).
Genome position (GRCh38, 1-based): chr3:150,972,558, C>T on the plus strand (G>A on the coding strand, the complement: CLRN1 is on the minus strand). VCF-style: chr3-150972558-C-T. GRCh37 (hg19) VCF-style: chr3-150690345-C-T.
Other names: c.151G>A, p.Gly51Arg (NM_001195794.1, NM_001256819.2); short protein forms G51R.
Identifiers: ClinVar variation 3366363 (VCV003366363.2).